The following is an entry in ClinVar:

NM_025145.7(CFAP43):c.641dup (p.Gln216fs)

Gene: CFAP43 (cilia and flagella associated protein 43; minus strand). Cytogenetic location: 10q25.1.
Variant type: Duplication.
Coding change: c.641dup on transcript NM_025145.7 (MANE Select); coding-DNA position 641, one base duplicated (T; older notation c.641dupT).
Protein change: p.Gln216fs; shifts the reading frame from glutamine 216.
Molecular consequence: frameshift variant.
Genome position (GRCh38, 1-based): chr10:104,212,101, A duplicated on the plus strand (T on the coding strand, the reverse complement: CFAP43 is on the minus strand); the first of 4 consecutive A bases (chr10:104,212,101-104,212,104); duplicating any one gives the same sequence. VCF-style (leftmost placement, unchanged base first): chr10-104212100-G-GA. GRCh37 (hg19) VCF-style: chr10-105971858-G-GA.
Other names: short protein forms Q216fs.
Identifiers: ClinVar variation 4850217 (VCV004850217.1).

ClinVar aggregate classification (germline): Pathogenic (1 of 4 stars; one submission).

Conditions:
Autosomal semidominant CFAP43-related disorders.

Submission:

Variantyx, Inc.
Classification: Pathogenic for Autosomal semidominant CFAP43-related disorders. Last evaluated: 2025-05-21. Review status: criteria provided, single submitter. Criteria: Variantyx Assertion Criteria 2022. Collection method: clinical testing. Allele origin: germline. Inheritance: Autosomal recessive inheritance. Affected: no.
Comment: This is a frameshift variant in the CFAP43 gene (OMIM: 617558). Pathogenic variants in this gene have been associated with autosomal semidominant CFAP43-related disorders. This variant introduces a premature termination codon in exon 5 out of 38 and is expected to result in loss of function, which is a known disease mechanism for CFAP43 in these disorders (PMID: 31004071) (PVS1). This variant has a 0.0003% maximum allele frequency in non-founder control populations (PM2). This variant has not been reported in individuals with CFAP43-related disorders in the databases available for review. Based on the current evidence, this variant is classified as pathogenic for autosomal semidominant CFAP43-related disorders.

Literature cited by the submitters: PubMed 31004071.